The following is an entry in ClinVar:

ClinVar aggregate classification (germline): Uncertain significance (1 of 4 stars; one submission).

Conditions:
Neurodegeneration with brain iron accumulation 5 (NBIA5). Also called: Beta-propeller protein-associated neurodegeneration; STATIC ENCEPHALOPATHY OF CHILDHOOD WITH NEURODEGENERATION IN ADULTHOOD. Identifiers: Orphanet 329284, MedGen C3550973, MONDO:0010476, OMIM 300894.

Submissions (2):

Laboratorio de Genetica e Diagnostico Molecular, Hospital Israelita Albert Einstein
Classification: Uncertain significance for Neurodegeneration with brain iron accumulation 5. Last evaluated: 2024-03-28. Review status: criteria provided, single submitter. Criteria: ACMG Guidelines, 2015. Collection method: clinical testing. Allele origin: germline. Affected: yes.
Comment: ACMG classification criteria: PM2 supporting, PP3 supporting

Dr. Peter K. Rogan Lab, Western University
No classification provided (evidence only). Condition: Lung cancer. Review status: no classification provided. Collection method: in vitro. Allele origin: not applicable. Functional consequence: retained intron. Not counted in ClinVar's aggregate classification.

NM_001029896.2(WDR45):c.516+3G>C

Gene: WDR45 (WD repeat domain 45; minus strand). Cytogenetic location: Xp11.23.
Variant type: single nucleotide variant.
Coding change: c.516+3G>C on transcript NM_001029896.2 (MANE Select); 3 bases into the intron after coding-DNA position 516, G replaced by C.
Molecular consequence: intron variant.
Genome position (GRCh38, 1-based): chrX:49,075,863, C>G on the plus strand (G>C on the coding strand, the complement: WDR45 is on the minus strand). VCF-style: chrX-49075863-C-G. GRCh37 (hg19) VCF-style: chrX-48933522-C-G.
Other names: NC_000023.10:g.48933522C>G; c.519+3G>C (NM_007075.4).
Identifiers: ClinVar variation 4076324 (VCV004076324.2).